The following is an entry in ClinVar:

ClinVar aggregate classification (germline): Uncertain significance. Review status: criteria provided, multiple submitters, no conflicts (2 of 4 stars). 3 submissions from 3 submitters: Uncertain significance (3). Last evaluated 2025-04-21.

Conditions:
Inborn genetic diseases. Identifiers: MedGen C0950123, MeSH D030342.

Allele frequency attached by ClinVar (database versions not stated): TOPMed 0.00001; gnomAD exomes 0.00003; gnomAD 0.00001.
gnomAD v4.1: 41 of 1,613,638 alleles (0.0025%); highest among the groups gnomAD compares: Non-Finnish European, 0.0031%; no homozygotes.

Submissions (3):

Labcorp Genetics (formerly Invitae), Labcorp
Classification: Uncertain significance. Last evaluated: 2025-04-21. Review status: criteria provided, single submitter. Criteria: Invitae Variant Classification Sherloc (09022015). Collection method: clinical testing. Allele origin: germline.
Comment: This sequence change replaces aspartic acid, which is acidic and polar, with tyrosine, which is neutral and polar, at codon 375 of the ANKRD26 protein (p.Asp375Tyr). This variant is present in population databases (no rsID available, gnomAD 0.0009%). This variant has not been reported in the literature in individuals affected with ANKRD26-related conditions. ClinVar contains an entry for this variant (Variation ID: 2884802). An algorithm developed to predict the effect of missense changes on protein structure and function (PolyPhen-2) suggests that this variant is likely to be tolerated. In summary, the available evidence is currently insufficient to determine the role of this variant in disease. Therefore, it has been classified as a Variant of Uncertain Significance.

Ambry Genetics
Classification: Uncertain significance for Inborn genetic diseases. Last evaluated: 2024-12-25. Review status: criteria provided, single submitter. Criteria: Ambry Variant Classification Scheme 2023. Collection method: clinical testing. Allele origin: germline.
Comment: The p.D375Y variant (also known as c.1123G>T), located in coding exon 10 of the ANKRD26 gene, results from a G to T substitution at nucleotide position 1123. The aspartic acid at codon 375 is replaced by tyrosine, an amino acid with highly dissimilar properties. This amino acid position is conserved. In addition, this alteration is predicted to be tolerated by in silico analysis. Based on the available evidence, the clinical significance of this variant remains unclear.

GeneDx
Classification: Uncertain significance. Last evaluated: 2023-11-21. Review status: criteria provided, single submitter. Criteria: GeneDx Variant Classification Process June 2021. Collection method: clinical testing. Allele origin: germline. Affected: yes.
Comment: Not observed at significant frequency in large population cohorts (gnomAD); In silico analysis supports that this missense variant has a deleterious effect on protein structure/function; Has not been previously published as pathogenic or benign to our knowledge

NM_014915.3(ANKRD26):c.1123G>T (p.Asp375Tyr)

Gene: ANKRD26 (ankyrin repeat domain 26; minus strand). Cytogenetic location: 10p12.1.
Variant type: single nucleotide variant.
Coding change: c.1123G>T on transcript NM_014915.3 (MANE Select); coding-DNA position 1123, G replaced by T.
Protein change: p.Asp375Tyr; replaces aspartic acid 375 with tyrosine.
Molecular consequence: missense variant.
Genome position (GRCh38, 1-based): chr10:27,067,241, C>A on the plus strand (G>T on the coding strand, the complement: ANKRD26 is on the minus strand). VCF-style: chr10-27067241-C-A. GRCh37 (hg19) VCF-style: chr10-27356170-C-A.
Other names: c.1123G>T, p.Asp375Tyr (NM_001256053.2); short protein forms D375Y.
Identifiers: ClinVar variation 2884802 (VCV002884802.5), dbSNP rs1350466563, ClinGen allele CA376359966.